The following is an entry in ClinVar:

ClinVar aggregate classification (germline): Benign. Review status: criteria provided, multiple submitters, no conflicts (2 of 4 stars). 3 submissions from 3 submitters: Benign (2). 1 of the submissions does not count toward it. Last evaluated 2026-02-01.

Conditions:
Nephronophthisis. Also called: Juvenile Nephronophthisis. Identifiers: Orphanet 655, MedGen C0687120, MONDO:0019005, HP:0000090.
NPHP3-related disorder. Also called: NPHP3-related condition; NPHP3-related disorders. Identifiers: MedGen CN379163.

Submissions (9):

Labcorp Genetics (formerly Invitae), Labcorp
Classification: Benign for Nephronophthisis. Last evaluated: 2026-02-01. Review status: criteria provided, single submitter. Criteria: Invitae Variant Classification Sherloc (09022015). Collection method: clinical testing. Allele origin: germline.

GeneDx
Classification: Benign. Last evaluated: 2021-09-01. Review status: criteria provided, single submitter. Criteria: GeneDx Variant Classification Process June 2021. Collection method: clinical testing. Allele origin: germline. Affected: yes.

PreventionGenetics, part of Exact Sciences
Classification: Benign for NPHP3-related condition. Last evaluated: 2019-05-09. Review status: no assertion criteria provided. Collection method: clinical testing. Allele origin: germline. Not counted in ClinVar's aggregate classification.
Comment: This variant is classified as benign based on ACMG/AMP sequence variant interpretation guidelines (Richards et al. 2015 PMID: 25741868, with internal and published modifications).

Dr. Peter K. Rogan Lab, Western University
No classification provided (evidence only). Condition: Colon adenocarcinoma. Review status: no classification provided. Collection method: in vitro. Allele origin: not applicable. Functional consequence: skipped exon. Not counted in ClinVar's aggregate classification.

Dr. Peter K. Rogan Lab, Western University
No classification provided (evidence only). Condition: Gastric cancer. Review status: no classification provided. Collection method: in vitro. Allele origin: not applicable. Functional consequence: retained intron. Not counted in ClinVar's aggregate classification.

Dr. Peter K. Rogan Lab, Western University
No classification provided (evidence only). Condition: Gastric cancer. Review status: no classification provided. Collection method: in vitro. Allele origin: not applicable. Functional consequence: retained intron. Not counted in ClinVar's aggregate classification.

Dr. Peter K. Rogan Lab, Western University
No classification provided (evidence only). Condition: Gastric cancer. Review status: no classification provided. Collection method: in vitro. Allele origin: not applicable. Functional consequence: retained intron. Not counted in ClinVar's aggregate classification.

Dr. Peter K. Rogan Lab, Western University
No classification provided (evidence only). Condition: Gastric cancer. Review status: no classification provided. Collection method: in vitro. Allele origin: not applicable. Functional consequence: skipped exon. Not counted in ClinVar's aggregate classification.

Dr. Peter K. Rogan Lab, Western University
No classification provided (evidence only). Condition: Familial pancreatic carcinoma. Review status: no classification provided. Collection method: in vitro. Allele origin: not applicable. Functional consequence: skipped exon, retained intron. Not counted in ClinVar's aggregate classification.

NM_153240.5(NPHP3):c.3697-7del

Genes: NPHP3 (nephrocystin 3; minus strand), NPHP3-ACAD11 (NPHP3-ACAD11 readthrough (NMD candidate); minus strand). Cytogenetic location: 3q22.1.
Variant type: Deletion.
Coding change: c.3697-7del on transcript NM_153240.5 (MANE Select); 7 bases into the intron before coding-DNA position 3697, one base deleted (T; older notation c.3697-7delT).
Molecular consequence: intron variant.
Genome position (GRCh38, 1-based): chr3:132,682,825, A deleted on the plus strand (T on the coding strand, the reverse complement: NPHP3 is on the minus strand); the first of 8 consecutive A bases (chr3:132,682,825-132,682,832); deleting any one gives the same sequence. VCF-style (leftmost placement, unchanged base first): chr3-132682824-TA-T. GRCh37 (hg19) VCF-style: chr3-132401668-TA-T.
Other names: NC_000003.11:g.132401676del; c.3697-7del (NM_153240.4); c.3697-14del (NM_153240.5).
Identifiers: ClinVar variation 422589 (VCV000422589.18), dbSNP rs564013823, ClinGen allele CA2621664.
Genomic context (GRCh38, chr3:132,682,824, plus strand): 5'-CTTCATAAATCTTTAATGCTCTTTCATATAATGGCAAAGCTTCAACGTGTTTTTTCTTAT[TA>T]AAAAAAATGATAATGCTCATGCACACTGGGTTTCTGAAATTAATGTATTCTAGACTAAGC-3'